The following is an entry in ClinVar:

NM_002485.5(NBN):c.1225A>G (p.Thr409Ala)

Gene: NBN (nibrin; minus strand). Cytogenetic location: 8q21.3.
Variant type: single nucleotide variant.
Coding change: c.1225A>G on transcript NM_002485.5 (MANE Select); coding-DNA position 1225, A replaced by G.
Protein change: p.Thr409Ala; replaces threonine 409 with alanine.
Molecular consequence: missense variant.
Genome position (GRCh38, 1-based): chr8:89,955,455, T>C on the plus strand (A>G on the coding strand, the complement: NBN is on the minus strand). VCF-style: chr8-89955455-T-C. GRCh37 (hg19) VCF-style: chr8-90967683-T-C.
Other names: c.979A>G, p.Thr327Ala (NM_001024688.3); short protein forms T327A, T409A.
Identifiers: ClinVar variation 2808690 (VCV002808690.3), dbSNP rs2488244543, ClinGen allele CA371656321.

ClinVar aggregate classification (germline): Uncertain significance (1 of 4 stars; one submission).

Conditions:
Microcephaly, normal intelligence and immunodeficiency (NBS). Also called: BERLIN BREAKAGE SYNDROME; Ataxia telangiectasia variant V1; Immunodeficiency, microcephaly with normal intelligence; IMMUNODEFICIENCY, MICROCEPHALY, AND CHROMOSOMAL INSTABILITY; SEEMANOVA SYNDROME II; Nijmegen breakage syndrome. Identifiers: Orphanet 647, MedGen C0398791, MONDO:0009623, OMIM 251260.

Submission:

Labcorp Genetics (formerly Invitae), Labcorp
Classification: Uncertain significance for Microcephaly, normal intelligence and immunodeficiency. Last evaluated: 2024-05-01. Review status: criteria provided, single submitter. Criteria: Invitae Variant Classification Sherloc (09022015). Collection method: clinical testing. Allele origin: germline.
Comment: This sequence change replaces threonine, which is neutral and polar, with alanine, which is neutral and non-polar, at codon 409 of the NBN protein (p.Thr409Ala). This variant is not present in population databases (gnomAD no frequency). This variant has not been reported in the literature in individuals affected with NBN-related conditions. Algorithms developed to predict the effect of missense changes on protein structure and function output the following: SIFT: "Not Available"; PolyPhen-2: "Benign"; Align-GVGD: "Not Available". The alanine amino acid residue is found in multiple mammalian species, which suggests that this missense change does not adversely affect protein function. In summary, the available evidence is currently insufficient to determine the role of this variant in disease. Therefore, it has been classified as a Variant of Uncertain Significance.